The following is an entry in ClinVar:

ClinVar aggregate classification (germline): Uncertain significance. Review status: criteria provided, multiple submitters, no conflicts (2 of 4 stars). 2 submissions from 2 submitters: Uncertain significance (2). Last evaluated 2021-11-12.

Conditions:
Developmental and epileptic encephalopathy, 42 (DEE42A). Also called: Epileptic encephalopathy, early infantile, 42; DEVELOPMENTAL AND EPILEPTIC ENCEPHALOPATHY 42A; EPILEPTIC ENCEPHALOPATHY, EARLY INFANTILE, 42A. Identifiers: MedGen C4310716, MONDO:0014917, OMIM 617106.
Episodic ataxia type 2 (EA2). Also called: EPISODIC ATAXIA, NYSTAGMUS-ASSOCIATED; ACETAZOLAMIDE-RESPONSIVE HEREDITARY PAROXYSMAL CEREBELLAR ATAXIA; ATAXIA, EPISODIC, WITH NYSTAGMUS; ATAXIA, FAMILIAL PAROXYSMAL; CEREBELLAR ATAXIA, PAROXYSMAL, ACETAZOLAMIDE-RESPONSIVE; CEREBELLOPATHY, HEREDITARY PAROXYSMAL. Identifiers: Orphanet 97, MedGen C1720416, MONDO:0007163, OMIM 108500.

Submissions (2):

Labcorp Genetics (formerly Invitae), Labcorp
Classification: Uncertain significance for Developmental and epileptic encephalopathy, 42; Episodic ataxia type 2. Last evaluated: 2021-11-12. Review status: criteria provided, single submitter. Criteria: Invitae Variant Classification Sherloc (09022015). Collection method: clinical testing. Allele origin: germline.
Comment: In summary, the available evidence is currently insufficient to determine the role of this variant in disease. Therefore, it has been classified as a Variant of Uncertain Significance. Advanced modeling of protein sequence and biophysical properties (such as structural, functional, and spatial information, amino acid conservation, physicochemical variation, residue mobility, and thermodynamic stability) performed at Invitae indicates that this missense variant is expected to disrupt CACNA1A protein function. This variant has not been reported in the literature in individuals affected with CACNA1A-related conditions. This variant is not present in population databases (gnomAD no frequency). This sequence change replaces isoleucine, which is neutral and non-polar, with threonine, which is neutral and polar, at codon 1390 of the CACNA1A protein (p.Ile1390Thr).

3billion
Classification: Uncertain significance for Developmental and epileptic encephalopathy, 42. Review status: criteria provided, single submitter. Criteria: ACMG Guidelines, 2015. Collection method: clinical testing. Allele origin: unknown. Affected: yes. Observed: 1 heterozygote.
Comment: The variant is not observed in the gnomAD v2.1.1 dataset. In silico tool predictions suggest damaging effect of the variant on gene or gene product (REVEL: 0.95). Therefore, this variant is classified as Uncertain significance according to the recommendation of ACMG/AMP guideline.

NM_001127222.2(CACNA1A):c.4166T>C (p.Ile1389Thr)

Genes: CACNA1A (calcium voltage-gated channel subunit alpha1 A; minus strand), LOC126862864 (MED14-independent group 3 enhancer GRCh37_chr19:13371552-13372751; plus strand). Cytogenetic location: 19p13.13.
Variant type: single nucleotide variant.
Coding change: c.4166T>C on transcript NM_001127222.2 (MANE Select); coding-DNA position 4166, T replaced by C.
Protein change: p.Ile1389Thr; replaces isoleucine 1389 with threonine.
Molecular consequence: missense variant.
Genome position (GRCh38, 1-based): chr19:13,261,534, A>G on the plus strand (T>C on the coding strand, the complement: CACNA1A is on the minus strand). VCF-style: chr19-13261534-A-G. GRCh37 (hg19) VCF-style: chr19-13372348-A-G.
Other names: c.4178T>C, p.Ile1393Thr (NM_000068.4, NM_023035.3); c.4169T>C, p.Ile1390Thr (NM_001127221.2, NM_001174080.2); short protein forms I1389T, I1390T, I1393T.
Identifiers: ClinVar variation 1392781 (VCV001392781.7), dbSNP rs2144767456, ClinGen allele CA404339718.
Genomic context (GRCh38, chr19:13,261,534, plus strand): 5'-GACTCGTCAGTGCAGTGGAAGAATTTCCCCTTGAAGAGCTGCACAGCCACCACGGCGAAG[A>G]TGAACATGAATAGCATGTAGACGATGAGGATGTTGAAGACGTTTTTAAGTGAGTTCACCA-3'
Protein context (NP_001120694.1, residues 1379-1399): ILIVYMLFMF[Ile1389Thr]FAVVAVQLFK